The following is an entry in ClinVar:

ClinVar aggregate classification (germline): Uncertain significance. Review status: criteria provided, multiple submitters, no conflicts (2 of 4 stars). 2 submissions from 2 submitters: Uncertain significance (2). Last evaluated 2019-12-13.

Conditions:
Autosomal recessive limb-girdle muscular dystrophy type 2J (LGMDR10). Also called: Limb-girdle muscular dystrophy, type 2J; MUSCULAR DYSTROPHY, LIMB-GIRDLE, AUTOSOMAL RECESSIVE 10. Identifiers: Orphanet 140922, MedGen C1837342, MONDO:0012127, OMIM 608807.
Dilated cardiomyopathy 1G (CMD1G). Identifiers: Orphanet 154, MedGen C1858763, MONDO:0011400, OMIM 604145.

Allele frequency attached by ClinVar (database versions not stated): gnomAD exomes below 0.00001.

Submissions (2):

GeneDx
Classification: Uncertain significance. Last evaluated: 2019-12-13. Review status: criteria provided, single submitter. Criteria: GeneDx Variant Classification Process June 2021. Collection method: clinical testing. Allele origin: germline. Affected: yes.
Comment: Not observed at a significant frequency in large population cohorts (Lek et al., 2016); Missense variant in a gene in which most reported pathogenic variants are truncating/loss-of-function; Has not been previously published as pathogenic or benign to our knowledge

Labcorp Genetics (formerly Invitae), Labcorp
Classification: Uncertain significance for Dilated cardiomyopathy 1G; Autosomal recessive limb-girdle muscular dystrophy type 2J. Last evaluated: 2017-09-05. Review status: criteria provided, single submitter. Criteria: Invitae Variant Classification Sherloc (09022015). Collection method: clinical testing. Allele origin: germline.

NM_001267550.2(TTN):c.19877G>A (p.Gly6626Glu)

Genes: TTN (titin; minus strand), LOC126806429 (BRD4-independent group 4 enhancer GRCh37_chr2:179591393-179592592; plus strand). Cytogenetic location: 2q31.2.
Variant type: single nucleotide variant.
Coding change: c.19877G>A on transcript NM_001267550.2 (MANE Select); coding-DNA position 19877, G replaced by A.
Protein change: p.Gly6626Glu; replaces glycine 6626 with glutamic acid.
Molecular consequence: missense variant. On other transcripts: intron variant (3).
Genome position (GRCh38, 1-based): chr2:178,727,701, C>T on the plus strand (G>A on the coding strand, the complement: TTN is on the minus strand). VCF-style: chr2-178727701-C-T. GRCh37 (hg19) VCF-style: chr2-179592428-C-T.
Other names: c.18926G>A, p.Gly6309Glu (NM_001256850.1); c.16145G>A, p.Gly5382Glu (NM_133378.4); c.13282+10381G>A (NM_003319.4); c.13858+10381G>A (NM_133437.4); c.13657+10381G>A (NM_133432.3); short protein forms G6626E, G5382E, G6309E.
Identifiers: ClinVar variation 535671 (VCV000535671.5), dbSNP rs1362220931, ClinGen allele CA349550340.